The following is an entry in ClinVar:

NM_000843.4(GRM6):c.601G>T (p.Ala201Ser)

Gene: GRM6 (glutamate metabotropic receptor 6; minus strand). Cytogenetic location: 5q35.3.
Variant type: single nucleotide variant.
Coding change: c.601G>T on transcript NM_000843.4 (MANE Select); coding-DNA position 601, G replaced by T.
Protein change: p.Ala201Ser; replaces alanine 201 with serine.
Molecular consequence: missense variant.
Genome position (GRCh38, 1-based): chr5:178,991,987, C>A on the plus strand (G>T on the coding strand, the complement: GRM6 is on the minus strand). VCF-style: chr5-178991987-C-A. GRCh37 (hg19) VCF-style: chr5-178418988-C-A.
Other names: short protein forms A201S.
Identifiers: ClinVar variation 1037293 (VCV001037293.8), dbSNP rs1405319318, ClinGen allele CA362434259.

ClinVar aggregate classification (germline): Uncertain significance (1 of 4 stars; one submission).

Submission:

Labcorp Genetics (formerly Invitae), Labcorp
Classification: Uncertain significance. Last evaluated: 2020-06-16. Review status: criteria provided, single submitter. Criteria: Invitae Variant Classification Sherloc (09022015). Collection method: clinical testing. Allele origin: germline.
Comment: In summary, the available evidence is currently insufficient to determine the role of this variant in disease. Therefore, it has been classified as a Variant of Uncertain Significance. This sequence change replaces alanine with serine at codon 201 of the GRM6 protein (p.Ala201Ser). The alanine residue is highly conserved and there is a moderate physicochemical difference between alanine and serine. This variant is not present in population databases (ExAC no frequency). This variant has not been reported in the literature in individuals with GRM6-related conditions. Algorithms developed to predict the effect of missense changes on protein structure and function (SIFT, PolyPhen-2, Align-GVGD) all suggest that this variant is likely to be disruptive, but these predictions have not been confirmed by published functional studies and their clinical significance is uncertain.